The following is an entry in ClinVar:

ClinVar aggregate classification (germline): Pathogenic (1 of 4 stars; one submission).

Conditions:
Arrhythmogenic right ventricular dysplasia 11. Also called: ARRHYTHMOGENIC RIGHT VENTRICULAR DYSPLASIA, FAMILIAL, 11; Arrhythmogenic Right Ventricular Dysplasia/Cardiomyopathy11; Arrhythmogenic right ventricular dysplasia 11 with mild palmoplantar keratoderma and woolly hair. Identifiers: MedGen C1864850, MONDO:0012506, OMIM 610476.

Submission:

Labcorp Genetics (formerly Invitae), Labcorp
Classification: Pathogenic for Arrhythmogenic right ventricular dysplasia 11. Last evaluated: 2025-12-01. Review status: criteria provided, single submitter. Criteria: Invitae Variant Classification Sherloc (09022015). Collection method: clinical testing. Allele origin: germline.
Comment: This sequence change creates a premature translational stop signal (p.Thr59Tyrfs*10) in the DSC2 gene. It is expected to result in an absent or disrupted protein product. Loss-of-function variants in DSC2 are known to be pathogenic (PMID: 23911551). This variant is not present in population databases (gnomAD no frequency). This variant has not been reported in the literature in individuals affected with DSC2-related conditions. For these reasons, this variant has been classified as Pathogenic.

Literature cited by the submitters: PubMed 23911551.

NM_024422.6(DSC2):c.174dup (p.Thr59fs)

Gene: DSC2 (desmocollin 2; minus strand). Cytogenetic location: 18q12.1.
Variant type: Duplication.
Coding change: c.174dup on transcript NM_024422.6 (MANE Select); coding-DNA position 174, one base duplicated (T; older notation c.174dupT).
Protein change: p.Thr59fs; shifts the reading frame from threonine 59.
Molecular consequence: frameshift variant. On other transcripts: 5 prime UTR variant (2).
Genome position (GRCh38, 1-based): chr18:31,092,281, A duplicated on the plus strand (T on the coding strand, the reverse complement: DSC2 is on the minus strand); the first of 3 consecutive A bases (chr18:31,092,281-31,092,283); duplicating any one gives the same sequence. VCF-style (leftmost placement, unchanged base first): chr18-31092280-T-TA. GRCh37 (hg19) VCF-style: chr18-28672243-T-TA.
Other names: c.-256dup (NM_001406506.1, NM_001406507.1); c.174dup, p.Thr59fs (NM_004949.5); short protein forms T59fs.
Identifiers: ClinVar variation 4731742 (VCV004731742.1).